The following is an entry in ClinVar:

ClinVar aggregate classification (germline): Pathogenic (1 of 4 stars; one submission).

Allele frequency attached by ClinVar (database versions not stated): gnomAD exomes below 0.00001; gnomAD 0.00001.

Submission:

Labcorp Genetics (formerly Invitae), Labcorp
Classification: Pathogenic. Last evaluated: 2023-12-28. Review status: criteria provided, single submitter. Criteria: Invitae Variant Classification Sherloc (09022015). Collection method: clinical testing. Allele origin: germline.
Comment: This sequence change creates a premature translational stop signal (p.Leu2178Phefs*9) in the NBAS gene. It is expected to result in an absent or disrupted protein product. Loss-of-function variants in NBAS are known to be pathogenic (PMID: 26073778, 26541327, 27789416, 28031453). The frequency data for this variant in the population databases is considered unreliable, as metrics indicate poor data quality at this position in the gnomAD database. This variant has not been reported in the literature in individuals affected with NBAS-related conditions. For these reasons, this variant has been classified as Pathogenic.

Literature cited by the submitters: PubMed 26073778; PubMed 26541327; PubMed 27789416; PubMed 28031453.

NM_015909.4(NBAS):c.6534del (p.Leu2178fs)

Gene: NBAS (NBAS subunit of NRZ tethering complex; minus strand). Cytogenetic location: 2p24.3.
Variant type: Deletion.
Coding change: c.6534del on transcript NM_015909.4 (MANE Select); coding-DNA position 6534, one base deleted (A; older notation c.6534delA).
Protein change: p.Leu2178fs; shifts the reading frame from leucine 2178.
Molecular consequence: frameshift variant. On other transcripts: non-coding transcript variant (1).
Genome position (GRCh38, 1-based): chr2:15,190,302, T deleted on the plus strand (A on the coding strand, the reverse complement: NBAS is on the minus strand). VCF-style (leftmost placement, unchanged base first): chr2-15190301-GT-G. GRCh37 (hg19) VCF-style: chr2-15330425-GT-G.
Other names: short protein forms L2178fs.
Identifiers: ClinVar variation 2807207 (VCV002807207.3), dbSNP rs1234096193, ClinGen allele CA531209872.
Genomic context (GRCh38, chr2:15,190,301, plus strand): 5'-GCTAATTTTATGTTAATACTTACACATATTCACTTTTCATAGGTGGCCAAGCTTGCAAAA[GT>G]AAAACCAAGTGCTGAAATTCAGCCTCGTGGTGACTAGATTCCAGGAGTTCCATGAATAGA-3'